The following is an entry in ClinVar:

NM_001613.4(ACTA2):c.623G>A (p.Arg208His)

Genes: ACTA2 (actin alpha 2, smooth muscle; minus strand), ACTA2-AS1 (ACTA2 antisense RNA 1; plus strand). Cytogenetic location: 10q23.31.
Variant type: single nucleotide variant.
Coding change: c.623G>A on transcript NM_001613.4 (MANE Select); coding-DNA position 623, G replaced by A.
Protein change: p.Arg208His; replaces arginine 208 with histidine.
Molecular consequence: missense variant. On other transcripts: non-coding transcript variant (1).
Genome position (GRCh38, 1-based): chr10:88,939,692, C>T on the plus strand (G>A on the coding strand, the complement: ACTA2 is on the minus strand). VCF-style: chr10-88939692-C-T. GRCh37 (hg19) VCF-style: chr10-90699449-C-T.
Other names: c.623G>A, p.Arg208His (NM_001141945.3, NM_001320855.2, NM_001406462.1 and 2 more transcripts); c.512G>A, p.Arg171His (NM_001406466.1); c.494G>A, p.Arg165His (NM_001406467.1, NM_001406468.1, NM_001406469.1); short protein forms R208H, R171H, R165H.
Identifiers: ClinVar variation 383658 (VCV000383658.41), dbSNP rs1057521703, ClinGen allele CA16605729.
Genomic context (GRCh38, chr10:88,939,692, plus strand): 5'-TCATTTTCAAAGTCCAGAGCTACATAACACAGTTTCTCCTTGATGTCCCGGACAATCTCA[C>T]GCTCAGCTGTCAACCAGATACAAACATTGTGGCAAACATTAGGGTCTGCACAGGTGGCAA-3'
Protein context (NP_001604.1, residues 198-218): RGYSFVTTAE[Arg208His]EIVRDIKEKL

ClinVar aggregate classification (germline): Uncertain significance. Review status: criteria provided, multiple submitters, no conflicts (2 of 4 stars). 6 submissions from 6 submitters: Uncertain significance (6). Last evaluated 2025-06-18.

Conditions:
Familial thoracic aortic aneurysm and aortic dissection (TAAD). Also called: Thoracic aortic aneurysms and dissections. Identifiers: Orphanet 91387, MedGen C4707243, MONDO:0019625.
Aortic aneurysm, familial thoracic 6 (AAT6). Also called: FAMILIAL THORACIC AORTIC ANEURYSM WITH LIVEDO RETICULARIS AND IRIS FLOCCULI. Identifiers: MedGen C2673186, MONDO:0012730, OMIM 611788.

Allele frequency attached by ClinVar (database versions not stated): gnomAD 0.00001; gnomAD exomes 0.00001; TOPMed 0.00001.
gnomAD v4.1: 19 of 1,613,858 alleles (0.0012%); highest among the groups gnomAD compares: South Asian, 0.0022%; no homozygotes.

Submissions (6):

GeneDx
Classification: Uncertain significance. Last evaluated: 2025-06-18. Review status: criteria provided, single submitter. Criteria: GeneDx Variant Classification Process June 2021. Collection method: clinical testing. Allele origin: germline. Affected: yes.
Comment: Reported in association with hereditary thoracic aortic disease in published literature; however detailed clinical information was not provided (PMID: 36053285); Not observed at significant frequency in large population cohorts (gnomAD); In silico analysis supports that this missense variant has a deleterious effect on protein structure/function; This variant is associated with the following publications: (PMID: 36053285, 39682617)

Labcorp Genetics (formerly Invitae), Labcorp
Classification: Uncertain significance for Aortic aneurysm, familial thoracic 6. Last evaluated: 2024-09-27. Review status: criteria provided, single submitter. Criteria: Invitae Variant Classification Sherloc (09022015). Collection method: clinical testing. Allele origin: germline.
Comment: This sequence change replaces arginine, which is basic and polar, with histidine, which is basic and polar, at codon 208 of the ACTA2 protein (p.Arg208His). This variant is present in population databases (no rsID available, gnomAD 0.006%). This variant has not been reported in the literature in individuals affected with ACTA2-related conditions. ClinVar contains an entry for this variant (Variation ID: 383658). Invitae Evidence Modeling of protein sequence and biophysical properties (such as structural, functional, and spatial information, amino acid conservation, physicochemical variation, residue mobility, and thermodynamic stability) indicates that this missense variant is not expected to disrupt ACTA2 protein function with a negative predictive value of 80%. In summary, the available evidence is currently insufficient to determine the role of this variant in disease. Therefore, it has been classified as a Variant of Uncertain Significance.

All of Us Research Program, National Institutes of Health
Classification: Uncertain significance for Familial thoracic aortic aneurysm and aortic dissection. Last evaluated: 2023-09-04. Review status: criteria provided, single submitter. Criteria: ACMG Guidelines, 2015. Collection method: clinical testing. Allele origin: germline. Inheritance: Autosomal dominant inheritance. Observed: 4 variant alleles, 4 heterozygotes.
Comment: This missense variant replaces arginine with histidine at codon 208 of the ACTA2 protein. Computational prediction suggests that this variant may have deleterious impact on protein structure and function (internally defined REVEL score threshold >= 0.7, PMID: 27666373). To our knowledge, functional studies have not been reported for this variant. This variant has not been reported in individuals affected with cardiovascular disorders in the literature. This variant has been identified in 3/250572 chromosomes in the general population by the Genome Aggregation Database (gnomAD). The available evidence is insufficient to determine the role of this variant in disease conclusively. Therefore, this variant is classified as a Variant of Uncertain Significance.

This study involves interpretation of variants in research participants for the purpose of population health screening. Participant phenotype was not available at the time of variant classification. Additional details can be found in publication PMID: 35346344, PMCID: PMC8962531

CeGaT Center for Human Genetics Tuebingen
Classification: Uncertain significance. Last evaluated: 2023-08-01. Review status: criteria provided, single submitter. Criteria: CeGaT Center For Human Genetics Tuebingen Variant Classification Criteria Version 2. Collection method: clinical testing. Allele origin: germline. Affected: yes. Observed: 1 variant allele.
Comment: ACTA2: PM2:Supporting, PP2, PP3, PS4:Supporting

Color Diagnostics, LLC DBA Color Health
Classification: Uncertain significance for Familial thoracic aortic aneurysm and aortic dissection. Last evaluated: 2023-04-07. Review status: criteria provided, single submitter. Criteria: ACMG Guidelines, 2015. Collection method: clinical testing. Allele origin: germline.
Comment: This missense variant replaces arginine with histidine at codon 208 of the ACTA2 protein. Computational prediction suggests that this variant may have deleterious impact on protein structure and function (internally defined REVEL score threshold >= 0.7, PMID: 27666373). To our knowledge, functional studies have not been reported for this variant. This variant has not been reported in individuals affected with ACTA2-related disorders in the literature. This variant has been identified in 3/250572 chromosomes in the general population by the Genome Aggregation Database (gnomAD). The available evidence is insufficient to determine the role of this variant in disease conclusively. Therefore, this variant is classified as a Variant of Uncertain Significance.

Molecular Genetics, Royal Melbourne Hospital
Classification: Uncertain significance for Aortic aneurysm, familial thoracic 6. Last evaluated: 2023-03-30. Review status: criteria provided, single submitter. Criteria: ACMG Guidelines, 2015. Collection method: clinical testing. Allele origin: germline.
Comment: This sequence change is predicted to replace arginine with histidine at codon 208 of the ACTA2 protein (p.Arg208His). The arginine residue is evolutionary invariant (100 vertebrates, UCSC), and is located in the actin polypeptide chain. There is a small physicochemical difference between arginine and histidine. The variant is present in a large population cohort at a low frequency of 0.001% (PM2; rs1057521703, 3/250,572 alleles, 0 homozygotes in gnomAD v2.1), and has been reported in at least three probands with either an aortic dissection or a dilatation of the aortic root (PS4_Supporting; Amsterdam UMC). It is a missense variant in a gene that has a low rate of benign missense variation and in which missense variants are a common mechanism of disease (PP2; gnomAD v2.1, ClinVar). Multiple lines of computational evidence predict a deleterious effect for the missense substitution (PP3; 6/6 algorithms). Based on the classification scheme RMH ACMG Guidelines v1.2.1, this variant is classified as VARIANT OF UNCERTAIN SIGNIFICANCE. Following criteria are met: PM2, PS4_Supporting, PP2, PP3.